The following is an entry in ClinVar:

ClinVar aggregate classification (germline): Uncertain significance. Review status: criteria provided, multiple submitters, no conflicts (2 of 4 stars). 2 submissions from 2 submitters: Uncertain significance (2). Last evaluated 2024-11-15.

Submissions (2):

Blueprint Genetics
Classification: Uncertain significance. Last evaluated: 2024-11-15. Review status: criteria provided, single submitter. Criteria: ACMG Guidelines, 2015. Collection method: clinical testing. Allele origin: germline.

GeneDx
Classification: Uncertain significance. Last evaluated: 2021-04-22. Review status: criteria provided, single submitter. Criteria: GeneDx Variant Classification Process June 2021. Collection method: clinical testing. Allele origin: germline. Affected: yes.
Comment: Not observed in large population cohorts (Lek et al., 2016); In silico analysis supports that this missense variant does not alter protein structure/function; Has not been previously published as pathogenic or benign to our knowledge

NM_001349338.3(FOXP1):c.1067C>T (p.Ala356Val)

Gene: FOXP1 (forkhead box P1; minus strand). Cytogenetic location: 3p13.
Variant type: single nucleotide variant.
Coding change: c.1067C>T on transcript NM_001349338.3 (MANE Select); coding-DNA position 1067, C replaced by T.
Protein change: p.Ala356Val; replaces alanine 356 with valine.
Molecular consequence: missense variant. On other transcripts: non-coding transcript variant (2).
Genome position (GRCh38, 1-based): chr3:70,988,073, G>A on the plus strand (C>T on the coding strand, the complement: FOXP1 is on the minus strand). VCF-style: chr3-70988073-G-A. GRCh37 (hg19) VCF-style: chr3-71037224-G-A.
Other names: c.1067C>T, p.Ala356Val (NM_001244808.3, NM_001244810.2, NM_001244814.3 and 3 more transcripts); c.839C>T, p.Ala280Val (NM_001244812.3); c.767C>T, p.Ala256Val (NM_001244813.3, NM_001244815.2, NM_001349342.3 and 1 more transcripts); c.764C>T, p.Ala255Val (NM_001349337.2, NM_001349343.3, NM_001349344.3); c.1064C>T, p.Ala355Val (NM_001349341.3); short protein forms A255V, A256V, A280V, A355V, A356V.
Identifiers: ClinVar variation 1314843 (VCV001314843.3), dbSNP rs2107494409, ClinGen allele CA353494760.